The following is an entry in ClinVar:

NM_022051.2(EGLN1):c.-2599T>C

Gene: EGLN1 (egl-9 family hypoxia inducible factor 1; minus strand). Cytogenetic location: 1q42.2.
Variant type: single nucleotide variant.
Coding change: c.-2599T>C on transcript NM_022051.2; 2599 bases upstream of the start codon, T replaced by C.
Genome position (GRCh38, 1-based): chr1:231,424,487, A>G on the plus strand (T>C on the coding strand, the complement: EGLN1 is on the minus strand). VCF-style: chr1-231424487-A-G. GRCh37 (hg19) VCF-style: chr1-231560233-A-G.
Identifiers: ClinVar variation 296242 (VCV000296242.8), dbSNP rs1361384, ClinGen allele CA10609366.

ClinVar aggregate classification (germline): Benign. Review status: criteria provided, multiple submitters, no conflicts (2 of 4 stars). 2 submissions from 2 submitters: Benign (2). Last evaluated 2018-01-13.

Conditions:
Erythrocytosis, familial, 3 (ECYT3). Identifiers: Orphanet 247511, MedGen C1853286, MONDO:0012353, OMIM 609820.

Allele frequency attached by ClinVar (database versions not stated): 1000 Genomes Project 0.13878; gnomAD 0.16701 and 0.15971; TOPMed 0.17509.

Submissions (2):

Illumina Laboratory Services, Illumina
Classification: Benign for Erythrocytosis, familial, 3. Last evaluated: 2018-01-13. Review status: criteria provided, single submitter. Criteria: ICSL Variant Classification Criteria 13 December 2019. Collection method: clinical testing. Allele origin: germline.
Comment: This variant was observed in the ICSL laboratory as part of a predisposition screen in an ostensibly healthy population. It had not been previously curated by ICSL or reported in the Human Gene Mutation Database (HGMD: prior to June 1st, 2018), and was therefore a candidate for classification through an automated scoring system. Utilizing variant allele frequency, disease prevalence and penetrance estimates, and inheritance mode, an automated score was calculated to assess if this variant is too frequent to cause the disease. Based on the score and internal cut-off values, a variant classified as benign is not then subjected to further curation. The score for this variant resulted in a classification of benign for this disease.

Breakthrough Genomics
Classification: Benign. Review status: criteria provided, single submitter. Criteria: ACMG Guidelines, 2015. Collection method: not provided. Allele origin: germline. Inheritance: Autosomal dominant inheritance. Affected: yes.